The following is an entry in ClinVar:

ClinVar aggregate classification (germline): Uncertain significance (1 of 4 stars; one submission).

Submission:

Ambry Genetics
Classification: Uncertain significance. Last evaluated: 2022-04-10. Review status: criteria provided, single submitter. Criteria: Ambry Variant Classification Scheme 2023. Collection method: clinical testing. Allele origin: germline.
Comment: The p.P2167S variant (also known as c.6499C>T), located in coding exon 49 of the PRKDC gene, results from a C to T substitution at nucleotide position 6499. The proline at codon 2167 is replaced by serine, an amino acid with similar properties. This amino acid position is conserved. In addition, this alteration is predicted to be deleterious by in silico analysis. Since supporting evidence is limited at this time, the clinical significance of this alteration remains unclear.

NM_006904.7(PRKDC):c.6499C>T (p.Pro2167Ser)

Gene: PRKDC (protein kinase, DNA-activated, catalytic subunit; minus strand). Cytogenetic location: 8q11.21.
Variant type: single nucleotide variant.
Coding change: c.6499C>T on transcript NM_006904.7 (MANE Select); coding-DNA position 6499, C replaced by T.
Protein change: p.Pro2167Ser; replaces proline 2167 with serine.
Molecular consequence: missense variant.
Genome position (GRCh38, 1-based): chr8:47,857,266, G>A on the plus strand (C>T on the coding strand, the complement: PRKDC is on the minus strand). VCF-style: chr8-47857266-G-A. GRCh37 (hg19) VCF-style: chr8-48769827-G-A.
Other names: c.6499C>T, p.Pro2167Ser (NM_001081640.2); short protein forms P2167S.
Identifiers: ClinVar variation 1753857 (VCV001753857.2), dbSNP rs2551869753, ClinGen allele CA371160197.
Genomic context (GRCh38, chr8:47,857,266, plus strand): 5'-CCACCATGTAGTGAATTCCTTCTCCTCCATTGTTTTCAGAAGCAGCCAGCTGCAGCAAGG[G>A]GCTAAGCCAGTGCTTCGCGTAAGGGCGAAAGACCTACAAGAGGATGTAAAAGTCAAACAT-3'
Protein context (NP_008835.5, residues 2157-2177): FRPYAKHWLS[Pro2167Ser]LLQLAASENN